The following is an entry in ClinVar:

NM_000202.8(IDS):c.133del (p.Asp45fs)

Gene: IDS (iduronate 2-sulfatase; minus strand). Cytogenetic location: Xq28.
Variant type: Deletion.
Coding change: c.133del on transcript NM_000202.8 (MANE Select); coding-DNA position 133, one base deleted (G; older notation c.133delG).
Protein change: p.Asp45fs; shifts the reading frame from aspartic acid 45.
Molecular consequence: frameshift variant. On other transcripts: 5 prime UTR variant (1), non-coding transcript variant (1).
Genome position (GRCh38, 1-based): chrX:149,504,264, C deleted on the plus strand (G on the coding strand, the reverse complement: IDS is on the minus strand); the first of 2 consecutive C bases (chrX:149,504,264-149,504,265); deleting either gives the same sequence. VCF-style (leftmost placement, unchanged base first): chrX-149504263-TC-T. GRCh37 (hg19) VCF-style: chrX-148585793-TC-T.
Other names: c.-94del (NM_001166550.4); c.133del, p.Asp45fs (NM_006123.5); short protein forms D45fs.
Identifiers: ClinVar variation 988667 (VCV000988667.3), dbSNP rs2089504895, ClinGen allele CA2465011168.
Genomic context (GRCh38, chrX:149,504,263, plus strand): 5'-TCAATATTTGGGGACCTCACCAGCTTATCCCCATAACAGCCCAGGGAGGGGCGCAGGTCA[TC>T]CACGATGATGAGAAGAACGTTCAGAGCATCTACACAGGAGGGAGGGGCTTTGGTGAGGTA-3'

ClinVar aggregate classification (germline): Pathogenic. Review status: criteria provided, single submitter (1 of 4 stars). 2 submissions from 2 submitters: Pathogenic (1). 1 of the submissions does not count toward it. Last evaluated 2024-06-07.

Conditions:
Mucopolysaccharidosis, MPS-II (MPS2). Also called: IDS deficiency; Sulfoiduronate sulfatase deficiency; SIDS deficiency; Mucopolysaccharidosis type 2; Mucopolysaccharidosis Type II; Attenuated MPS (subtype; formerly known as mild MPS II). Identifiers: Orphanet 580, Orphanet 79388, MedGen C0026705, MONDO:0010674, OMIM 309900.

Submissions (2):

Laboratory of Diagnosis and Therapy of Lysosomal Disorders, University of Padova
Classification: Pathogenic for Mucopolysaccharidosis, MPS-II. Last evaluated: 2024-06-07. Review status: criteria provided, single submitter. Criteria: ACMG Guidelines, 2015. Collection method: literature only. Allele origin: germline. Affected: yes. Observed: 1 variant allele.
Comment: Null variant (PVS1_VeryStrong), Absent from controls (or at low frequency) in gnomAD database (PM2_Moderate), Patient’s phenotype or family history highly specific for the disease (PP4_Strong)

Classification method: ACMG Guidelines [PMID:25741868] with modifications

Laboratory of Inherited Metabolic Diseases, Research centre for medical genetics
Classification: Pathogenic for Mucopolysaccharidosis, type II; MPS2. Review status: no assertion criteria provided. Collection method: research. Allele origin: germline. Affected: yes. Not counted in ClinVar's aggregate classification.

Literature cited by the submitters: PubMed 33676511 (cited by Laboratory of Diagnosis and Therapy of Lysosomal Disorders, University of Padova).